The following is an entry in ClinVar:

NM_000376.3(VDR):c.1036G>A (p.Val346Met)

Gene: VDR (vitamin D receptor; minus strand). Cytogenetic location: 12q13.11.
Variant type: single nucleotide variant.
Coding change: c.1036G>A on transcript NM_000376.3 (MANE Select); coding-DNA position 1036, G replaced by A.
Protein change: p.Val346Met; replaces valine 346 with methionine.
Molecular consequence: missense variant.
Genome position (GRCh38, 1-based): chr12:47,844,994, C>T on the plus strand (G>A on the coding strand, the complement: VDR is on the minus strand). VCF-style: chr12-47844994-C-T. GRCh37 (hg19) VCF-style: chr12-48238777-C-T.
Other names: c.1036G>A, p.Val346Met (NM_001017535.2, NM_001364085.2, NM_001374661.1 and 1 more transcripts); c.1186G>A, p.Val396Met (NM_001017536.2); short protein forms V346M, V396M.
Identifiers: ClinVar variation 7759 (VCV000007759.9), dbSNP rs267607169, ClinGen allele CA119044.

ClinVar aggregate classification (germline): Pathogenic/Likely pathogenic. Review status: criteria provided, multiple submitters, no conflicts (2 of 4 stars). 5 submissions from 5 submitters: Pathogenic (1); Likely pathogenic (2). 2 of the submissions do not count toward it. Last evaluated 2024-03-25.

Conditions:
VDR-related disorder. Also called: VDR-related condition.
Vitamin D-dependent rickets type II with alopecia (VDDR2A). Also called: GENERALIZED RESISTANCE TO 1,25-DIHYDROXYVITAMIN D; HYPOCALCEMIC VITAMIN D-RESISTANT RICKETS; VITAMIN D-DEPENDENT RICKETS, TYPE 2A, WITH OR WITHOUT ALOPECIA; VITAMIN D-RESISTANT RICKETS WITH END-ORGAN UNRESPONSIVENESS TO 1,25-DIHYDROXYCHOLECALCIFEROL; Vitamin D-dependent rickets, type 2A; PDDR IIA. Identifiers: Orphanet 93160, MedGen C0342646, MONDO:0010186, OMIM 277440.

Allele frequency attached by ClinVar (database versions not stated): gnomAD exomes below 0.00001.
gnomAD v4.1: 2 of 1,612,574 alleles (0.00012%); highest among the groups gnomAD compares: Admixed American, 0.0017%; no homozygotes.

Submissions (5):

Genomic Medicine Center of Excellence, King Faisal Specialist Hospital and Research Centre
Classification: Likely pathogenic for Vitamin D-dependent rickets type II with alopecia. Last evaluated: 2024-03-25. Review status: criteria provided, single submitter. Criteria: ACMG Guidelines, 2015. Collection method: research. Allele origin: germline.

Blueprint Genetics
Classification: Pathogenic for VDR-related disorders. Last evaluated: 2023-08-18. Review status: criteria provided, single submitter. Criteria: ACMG Guidelines, 2015. Collection method: clinical testing. Allele origin: germline. Affected: yes. Observed: 4 variant alleles.

Genetic Services Laboratory, University of Chicago
Classification: Likely pathogenic. Last evaluated: 2018-07-16. Review status: criteria provided, single submitter. Criteria: ACMG Guidelines, 2015. Collection method: clinical testing. Allele origin: germline. Affected: yes.
Comment: DNA sequence analysis of the VDR gene demonstrated a sequence change, c.1036G>A, in exon 11 that results in an amino acid change, p.Val346Met. This particular amino acid change has been described in the homozygous state in three affected family members with hereditary vitamin D-resistant rickets (HVDRR) (Arita et. al., 2008). In vitro functional assays demonstrated impaired transcriptional activity, and impaired ligand binding affinity for this variant (Tamura et. al., 2017). This sequence change has been described in the gnomAD database with a low population frequency of 0.0004% (dbSNP rs267607169). The p.Val346Met change affects a highly conserved amino acid residue located in a domain of the VDR protein that is known to be functional. The p.Val346Met substitution appears to be deleterious using several in-silico pathogenicity prediction tools (SIFT, PolyPhen2, Align GVGD, REVEL). This sequence change is the likely cause of the indicated phenotype, however functional studies have not been performed to prove this conclusively.

OMIM
Classification: Pathogenic for VITAMIN D-DEPENDENT RICKETS, TYPE 2A. Last evaluated: 2008-01-01. Review status: no assertion criteria provided. Collection method: literature only. Allele origin: germline. Not counted in ClinVar's aggregate classification.

FAHD UNIT, Department of Genetics, King Faisal Specialist Hospital and Research Centre
Classification: Likely pathogenic for Vitamin D-dependent rickets type II with alopecia. Review status: no assertion criteria provided. Collection method: clinical testing. Allele origin: unknown. Affected: yes. Not counted in ClinVar's aggregate classification.

Literature cited by the submitters: PubMed 17970811 (cited by OMIM).